The following is an entry in ClinVar:

ClinVar aggregate classification (germline): Conflicting classifications of pathogenicity. Review status: criteria provided, conflicting classifications (1 of 4 stars). 6 submissions from 6 submitters: Pathogenic (1); Likely pathogenic (3); Uncertain significance (1). 1 of the submissions does not count toward it. Last evaluated 2024-06-04.

Conditions:
ACTL6A-related intellectual disability, autosomal dominant.
Atrial septal defect (ASD). Also called: Defect in the atrial septum; Interatrial communication. Identifiers: Orphanet 1478, MedGen C0018817, MONDO:0006664, HP:0001631.
Broad thumb. Identifiers: MedGen C0426891, HP:0011304.
Delayed speech and language development. Also called: Language delay. Identifiers: MedGen C0454644, HP:0000750.
Inguinal hernia. Identifiers: MedGen C0019294, HP:0000023.
Syncope. Also called: fainting. Identifiers: MedGen C0039070, HP:0001279.
Coarse facial features. Identifiers: MedGen C1845847, HP:0000280.
Umbilical hernia. Identifiers: MedGen C0019322, HP:0001537.
Recurrent otitis media. Identifiers: MedGen C0747085, HP:0000403.
Broad nasal tip. Identifiers: MedGen C0426429, HP:0000455.
Gastroesophageal reflux. Identifiers: MedGen C4317146, HP:0002020.
Aplasia/Hypoplasia of the nails. Identifiers: MedGen C1859077, HP:0008386.
Cleft anterior mitral valve leaflet. Identifiers: MedGen C4023295, HP:0011569.
Torticollis. Also called: Inherited torticollis. Identifiers: MedGen C0040485, MONDO:0008583, OMIM 189600, HP:0000473.
BAFopathy. Identifiers: MedGen CN306871, MONDO:0700120.
ACTL6A-related BAFopathy. Identifiers: MedGen CN306938, MONDO:0700121.

Allele frequency attached by ClinVar (database versions not stated): gnomAD exomes below 0.00001; gnomAD 0.00001.
gnomAD v4.1: 5 of 1,581,764 alleles (0.00032%); highest among the groups gnomAD compares: Admixed American, 0.0019%; no homozygotes.

Submissions (6):

Institute of Immunology and Genetics Kaiserslautern
Classification: Likely pathogenic for BAFopathy. Last evaluated: 2024-06-04. Review status: criteria provided, single submitter. Criteria: ACMG Guidelines, 2015. Collection method: clinical testing. Allele origin: germline. Affected: yes.
Comment: ACMG Criteria: PP3, PP5, PM2_P, PS3; Variant was found in heterozygous state, the ACTL6A gene was reported associated with BAFopathies (PMID: 34906496, PMID: 28649782, PMID: 3448540)

3billion
Classification: Likely pathogenic for ACTL6A-related intellectual disability, autosomal dominant. Last evaluated: 2023-08-30. Review status: criteria provided, single submitter. Criteria: ACMG Guidelines, 2015. Collection method: clinical testing. Allele origin: germline. Affected: yes.
Comment: The variant is not observed in the gnomAD v2.1.1 dataset. Predicted Consequence/Location: Missense variant In silico tool predictions suggest damaging effect of the variant on gene or gene product [REVEL: 0.83 (>=0.6, sensitivity 0.68 and specificity 0.92); 3Cnet: 0.80 (>=0.6, sensitivity 0.72 and precision 0.9)]. Same nucleotide change resulting in same amino acid change has been previously reported as pathogenic/likely pathogenic with strong evidence (ClinVar ID: VCV000549661 /PMID: 28649782). Therefore, this variant is classified as Likely pathogenic according to the recommendation of ACMG/AMP guideline.

Baylor Genetics
Classification: Uncertain significance for ACTL6A-related BAFopathy. Last evaluated: 2021-06-10. Review status: criteria provided, single submitter. Criteria: ACMG Guidelines, 2015. Collection method: clinical testing. Allele origin: de novo. Affected: yes.

CeGaT Center for Human Genetics Tuebingen
Classification: Pathogenic. Last evaluated: 2021-04-01. Review status: criteria provided, single submitter. Criteria: CeGaT Center For Human Genetics Tuebingen Variant Classification Criteria Version 2. Collection method: clinical testing. Allele origin: germline. Affected: yes. Observed: 1 variant allele.

Lupski Lab, Baylor-Hopkins CMG, Baylor College of Medicine
Classification: Likely pathogenic for Delayed speech and language development; Atrial septal defect; Cleft anterior mitral valve leaflet; Torticollis; Gastroesophageal reflux; Recurrent otitis media; Inguinal hernia; Umbilical hernia; Syncope; Coarse facial features; Broad nasal tip; Aplasia/Hypoplasia of the nails; Broad thumb. Last evaluated: 2017-06-11. Review status: criteria provided, single submitter. Criteria: Submitter's publication. Collection method: research. Allele origin: de novo. Inheritance: Sporadic. Affected: yes. Observed: 1 variant allele, 1 heterozygote.
Comment: This variant was identified as de novo in an individual with syndromic intellectual disability. In the same study, two additional unrelated affected subjects were also identified to have rare variation in this gene. The phenotypes of all 3 cases were felt to overlap with that of Coffin Siris syndrome, caused by mutations in genes associated with the BAF complex. ACTL6A encodes a BAF complex protein.

OMIM
Classification: Uncertain significance for VARIANT OF UNKNOWN SIGNIFICANCE. Last evaluated: 2024-03-21. Review status: no assertion criteria provided. Collection method: literature only. Allele origin: germline. Not counted in ClinVar's aggregate classification.

Literature cited by the submitters: PubMed 28649782 (cited by 3billion and OMIM); PubMed 19215055 (cited by OMIM); PubMed 31994175 (cited by OMIM); Hamosh, A. Personal Communication. 2024. Baltimore, Md. (cited by OMIM).

NM_004301.5(ACTL6A):c.1129C>T (p.Arg377Trp)

Gene: ACTL6A (actin like 6A; plus strand). Cytogenetic location: 3q26.33.
Variant type: single nucleotide variant.
Coding change: c.1129C>T on transcript NM_004301.5 (MANE Select); coding-DNA position 1129, C replaced by T.
Protein change: p.Arg377Trp; replaces arginine 377 with tryptophan.
Molecular consequence: missense variant.
Genome position (GRCh38, 1-based): chr3:179,586,552, C>T. VCF-style: chr3-179586552-C-T. GRCh37 (hg19) VCF-style: chr3-179304340-C-T.
Other names: c.1003C>T, p.Arg335Trp (NM_177989.4, NM_178042.4); short protein forms R377W, R335W.
Identifiers: ClinVar variation 549661 (VCV000549661.40), dbSNP rs868064163, ClinGen allele CA88577571.